The following is an entry in ClinVar:

ClinVar aggregate classification (germline): Uncertain significance (1 of 4 stars; one submission).

Submission:

Labcorp Genetics (formerly Invitae), Labcorp
Classification: Uncertain significance. Last evaluated: 2024-10-28. Review status: criteria provided, single submitter. Criteria: Invitae Variant Classification Sherloc (09022015). Collection method: clinical testing. Allele origin: germline.
Comment: This sequence change falls in intron 8 of the CTNNA1 gene. It does not directly change the encoded amino acid sequence of the CTNNA1 protein. This variant is not present in population databases (gnomAD no frequency). This variant has not been reported in the literature in individuals affected with CTNNA1-related conditions. Algorithms developed to predict the effect of sequence changes on RNA splicing suggest that this variant may disrupt the consensus splice site. In summary, the available evidence is currently insufficient to determine the role of this variant in disease. Therefore, it has been classified as a Variant of Uncertain Significance.

NM_001903.5(CTNNA1):c.1144-21_1144-14del

Gene: CTNNA1 (catenin alpha 1; plus strand). Cytogenetic location: 5q31.2.
Variant type: Deletion.
Coding change: c.1144-21_1144-14del on transcript NM_001903.5 (MANE Select); 21 bases into the intron before coding-DNA position 1144 through 14 bases into the intron before coding-DNA position 1144, 8 bases deleted (TTTTTACA; older notation c.1144-21_1144-14delTTTTTACA).
Molecular consequence: intron variant.
Genome position (GRCh38, 1-based): chr5:138,887,469-138,887,476, TTTTTACA deleted; deleting any 8 consecutive bases within chr5:138,887,468-138,887,476 gives the same sequence; the c. name uses the placement nearest the transcript's 3' end. VCF-style (leftmost placement, unchanged base first): chr5-138887467-AATTTTTAC-A. GRCh37 (hg19) VCF-style: chr5-138223156-AATTTTTAC-A.
Other names: c.1144-21_1144-14del (NM_001323982.2, NM_001323984.2, NM_001290307.3 and 3 more transcripts); c.775-21_775-14del (NM_001290310.3); c.835-21_835-14del (NM_001290309.3); c.34-21_34-14del (NM_001323996.1, NM_001323993.1, NM_001324005.1 and 18 more transcripts); c.-364-21_-364-14del (NM_001324007.1, NM_001324008.1, NM_001324009.1 and 1 more transcripts); c.-58+11872_-58+11879del (NM_001324012.1); c.-61+11872_-61+11879del (NM_001324010.1); c.-239-21_-239-14del (NM_001324013.1).
Identifiers: ClinVar variation 3639496 (VCV003639496.2).